The following is an entry in ClinVar:

NM_001354930.2(RIPK1):c.1043G>T (p.Gly348Val)

Gene: RIPK1 (receptor interacting serine/threonine kinase 1; plus strand). Cytogenetic location: 6p25.2.
Variant type: single nucleotide variant.
Coding change: c.1043G>T on transcript NM_001354930.2 (MANE Select); coding-DNA position 1043, G replaced by T.
Protein change: p.Gly348Val; replaces glycine 348 with valine.
Molecular consequence: missense variant.
Genome position (GRCh38, 1-based): chr6:3,105,518, G>T. VCF-style: chr6-3105518-G-T. GRCh37 (hg19) VCF-style: chr6-3105752-G-T.
Other names: c.554G>T, p.Gly185Val (NM_001317061.3, NM_001354932.2, NM_001354933.2 and 1 more transcripts); c.905G>T, p.Gly302Val (NM_001354931.2); c.1043G>T, p.Gly348Val (NM_003804.6); short protein forms G302V, G185V, G348V.
Identifiers: ClinVar variation 1374943 (VCV001374943.9), dbSNP rs1387550967, ClinGen allele CA362570660.

ClinVar aggregate classification (germline): Uncertain significance. Review status: criteria provided, multiple submitters, no conflicts (2 of 4 stars). 2 submissions from 2 submitters: Uncertain significance (2). Last evaluated 2023-12-07.

Allele frequency attached by ClinVar (database versions not stated): gnomAD 0.00001; TOPMed 0.00001.
gnomAD v4.1: 10 of 1,584,472 alleles (0.00063%); highest among the groups gnomAD compares: Non-Finnish European, 0.00086%; no homozygotes.

Submissions (2):

Blueprint Genetics
Classification: Uncertain significance. Last evaluated: 2023-12-07. Review status: criteria provided, single submitter. Criteria: ACMG Guidelines, 2015. Collection method: clinical testing. Allele origin: germline.

Labcorp Genetics (formerly Invitae), Labcorp
Classification: Uncertain significance. Last evaluated: 2022-09-03. Review status: criteria provided, single submitter. Criteria: Invitae Variant Classification Sherloc (09022015). Collection method: clinical testing. Allele origin: germline.
Comment: In summary, the available evidence is currently insufficient to determine the role of this variant in disease. Therefore, it has been classified as a Variant of Uncertain Significance. Algorithms developed to predict the effect of missense changes on protein structure and function are either unavailable or do not agree on the potential impact of this missense change (SIFT: "Not Available"; PolyPhen-2: "Probably Damaging"; Align-GVGD: "Not Available"). ClinVar contains an entry for this variant (Variation ID: 1374943). This variant has not been reported in the literature in individuals affected with RIPK1-related conditions. This variant is not present in population databases (gnomAD no frequency). This sequence change replaces glycine, which is neutral and non-polar, with valine, which is neutral and non-polar, at codon 348 of the RIPK1 protein (p.Gly348Val).